The following is an entry in ClinVar:

NM_002539.3(ODC1):c.94TCT[2] (p.Ser34del)

Gene: ODC1 (ornithine decarboxylase 1; minus strand). Cytogenetic location: 2p25.1.
Variant type: Microsatellite.
Coding change: c.94TCT[2] on transcript NM_002539.3 (MANE Select); two copies in a row of the 3-base unit TCT starting at c.94; the reference has three copies in a row; one copy, 3 bases deleted; also written c.100_102del.
Protein change: p.Ser34del; deletes serine 34.
Molecular consequence: inframe deletion. On other transcripts: 5 prime UTR variant (1).
Genome position (GRCh38, 1-based): chr2:10,444,931-10,444,933, AGA deleted on the plus strand (TCT on the coding strand, the reverse complement: ODC1 is on the minus strand); deleting any 3 consecutive bases within chr2:10,444,931-10,444,940 gives the same sequence; the position shown is the placement nearest the transcript's 3' end. VCF-style (leftmost placement, unchanged base first): chr2-10444930-CAGA-C. GRCh37 (hg19) VCF-style: chr2-10585056-CAGA-C.
Other names: c.100_102del (NM_002539.3); c.-195_-193TTC[2] (NM_001287188.2); c.94TCT[2], p.Ser34del (NM_001287189.2, NM_001287190.2); short protein forms S34del.
Identifiers: ClinVar variation 4886319 (VCV004886319.2).

ClinVar aggregate classification (germline): Uncertain significance (1 of 4 stars; one submission).

Submission:

Dasa
Classification: Uncertain significance. Last evaluated: 2024-12-22. Review status: criteria provided, single submitter. Criteria: DASA Assertion Criteria. Collection method: clinical testing. Allele origin: germline.
Comment: NM_002539.3(ODC1):c.100_102del (p.Ser34del) is an in-frame deletion predicted to remove serine at protein position 34 without shifting the reading frame. This variant is rare in population databases. The currently available literature and clinical evidence are not sufficient to establish a definitive association between this variant and the reported condition. Therefore, this variant is classified as a variant of uncertain significance.